The following is an entry in ClinVar:

NM_016156.6(MTMR2):c.752C>T (p.Pro251Leu)

Gene: MTMR2 (myotubularin related protein 2; minus strand). Cytogenetic location: 11q21.
Variant type: single nucleotide variant.
Coding change: c.752C>T on transcript NM_016156.6 (MANE Select); coding-DNA position 752, C replaced by T.
Protein change: p.Pro251Leu; replaces proline 251 with leucine.
Molecular consequence: missense variant.
Genome position (GRCh38, 1-based): chr11:95,850,652, G>A on the plus strand (C>T on the coding strand, the complement: MTMR2 is on the minus strand). VCF-style: chr11-95850652-G-A. GRCh37 (hg19) VCF-style: chr11-95583816-G-A.
Other names: c.536C>T, p.Pro179Leu (NM_001243571.2, NM_201278.3, NM_201281.3); short protein forms P251L, P179L.
Identifiers: ClinVar variation 1977954 (VCV001977954.4), dbSNP rs761918973, ClinGen allele CA6240236.

ClinVar aggregate classification (germline): Uncertain significance (1 of 4 stars; one submission).

Conditions:
Charcot-Marie-Tooth disease type 4. Also called: Charcot-Marie-Tooth disease, type IV; Charcot-Marie-Tooth, Type 4. Identifiers: Orphanet 64749, MedGen C4082197, MONDO:0018995.

Allele frequency attached by ClinVar (database versions not stated): ExAC 0.00001; gnomAD exomes 0.00001.
gnomAD v4.1: 15 of 1,614,050 alleles (0.00093%); highest among the groups gnomAD compares: Non-Finnish European, 0.0013%; no homozygotes.

Submission:

Labcorp Genetics (formerly Invitae), Labcorp
Classification: Uncertain significance for Charcot-Marie-Tooth disease type 4. Last evaluated: 2024-04-08. Review status: criteria provided, single submitter. Criteria: Invitae Variant Classification Sherloc (09022015). Collection method: clinical testing. Allele origin: germline.
Comment: This sequence change replaces proline, which is neutral and non-polar, with leucine, which is neutral and non-polar, at codon 251 of the MTMR2 protein (p.Pro251Leu). This variant is present in population databases (rs761918973, gnomAD 0.004%). This variant has not been reported in the literature in individuals affected with MTMR2-related conditions. ClinVar contains an entry for this variant (Variation ID: 1977954). Advanced modeling of protein sequence and biophysical properties (such as structural, functional, and spatial information, amino acid conservation, physicochemical variation, residue mobility, and thermodynamic stability) performed at Invitae indicates that this missense variant is not expected to disrupt MTMR2 protein function with a negative predictive value of 80%. In summary, the available evidence is currently insufficient to determine the role of this variant in disease. Therefore, it has been classified as a Variant of Uncertain Significance.